The following is an entry in ClinVar:

ClinVar aggregate classification (germline): Pathogenic (1 of 4 stars; one submission).

Conditions:
Renal cysts and diabetes syndrome (RCAD). Also called: Familial hypoplastic, glomerulocystic kidney; MATURITY-ONSET DIABETES OF THE YOUNG, TYPE 5. Identifiers: Orphanet 93111, MedGen C0431693, MONDO:0007669, OMIM 137920.

Submission:

Institute of Human Genetics, FAU Erlangen, Friedrich-Alexander-Universität Erlangen-Nürnberg
Classification: Pathogenic for Renal cysts and diabetes syndrome. Last evaluated: 2019-07-06. Review status: criteria provided, single submitter. Criteria: ACMG Guidelines, 2015. Collection method: literature only. Allele origin: germline. Affected: yes.
Comment: This variant and it's classification has been reported by Vasileiou et al. 2019; DOI:10.1101/576918. The variants has previously been reported in PMID:25700310; PMID:16249435; PMID:25536396 as "c.143delT; c.143delT" with clinical significance Pathogenic. It has been re-classified using InterVar and manual curation as Pathogenic based on PVS1 PM2 PP3.

Literature cited by the submitters: PubMed 25700310; PubMed 16249435; PubMed 25536396; DOI 10.1101/576918.

NM_000458.4(HNF1B):c.143del (p.Leu48fs)

Gene: HNF1B (HNF1 homeobox B; minus strand). Cytogenetic location: 17q12.
Variant type: Deletion.
Coding change: c.143del on transcript NM_000458.4 (MANE Select); coding-DNA position 143, one base deleted (T; older notation c.143delT).
Protein change: p.Leu48fs; shifts the reading frame from leucine 48.
Molecular consequence: frameshift variant.
Genome position (GRCh38, 1-based): chr17:37,744,742, A deleted on the plus strand (T on the coding strand, the reverse complement: HNF1B is on the minus strand). VCF-style (leftmost placement, unchanged base first): chr17-37744741-CA-C. GRCh37 (hg19) VCF-style: chr17-36104732-CA-C.
Other names: c.143del, p.Leu48fs (NM_001165923.4, NM_001304286.2); short protein forms L48fs.
Identifiers: ClinVar variation 635727 (VCV000635727.1), dbSNP rs2511852099, ClinGen allele CA913190806.